The following is an entry in ClinVar:

ClinVar aggregate classification (germline): Pathogenic (1 of 4 stars; one submission).

Conditions:
Short-rib thoracic dysplasia 14 with polydactyly (SRTD14). Identifiers: Orphanet 397715, MedGen C4225286, MONDO:0014688, OMIM 616546.
Joubert syndrome 23 (JBTS23). Identifiers: Orphanet 475, MedGen C4084822, MONDO:0014664, OMIM 616490.

Submission:

Labcorp Genetics (formerly Invitae), Labcorp
Classification: Pathogenic for Joubert syndrome 23; Short-rib thoracic dysplasia 14 with polydactyly. Last evaluated: 2022-02-06. Review status: criteria provided, single submitter. Criteria: Invitae Variant Classification Sherloc (09022015). Collection method: clinical testing. Allele origin: germline.
Comment: For these reasons, this variant has been classified as Pathogenic. This variant has not been reported in the literature in individuals affected with KIAA0586-related conditions. This variant is present in population databases (no rsID available, gnomAD 0.01%). This sequence change creates a premature translational stop signal (p.Leu1293Argfs*2) in the KIAA0586 gene. It is expected to result in an absent or disrupted protein product. Loss-of-function variants in KIAA0586 are known to be pathogenic (PMID: 26096313, 26166481, 26386044).

Literature cited by the submitters: PubMed 26096313; PubMed 26166481; PubMed 26386044.

NM_001329943.3(KIAA0586):c.3718_3719del (p.Leu1240fs)

Gene: KIAA0586 (KIAA0586; plus strand). Cytogenetic location: 14q23.1.
Variant type: Deletion.
Coding change: c.3718_3719del on transcript NM_001329943.3 (MANE Select); coding-DNA positions 3718 to 3719, 2 bases deleted (TT; older notation c.3718_3719delTT).
Protein change: p.Leu1240fs; shifts the reading frame from leucine 1240.
Molecular consequence: frameshift variant.
Genome position (GRCh38, 1-based): chr14:58,488,811-58,488,812, TT deleted; deleting any 2 consecutive bases within chr14:58,488,810-58,488,812 gives the same sequence; the c. name uses the placement nearest the transcript's 3' end. VCF-style (leftmost placement, unchanged base first): chr14-58488809-CTT-C. GRCh37 (hg19) VCF-style: chr14-58955527-CTT-C.
Other names: c.3877_3878del, p.Leu1293fs (NM_001244189.2); c.3673_3674del, p.Leu1225fs (NM_001244190.2); c.3463_3464del, p.Leu1155fs (NM_001244191.2, NM_001329945.2, NM_001364700.1 and 1 more transcripts); c.3586_3587del, p.Leu1196fs (NM_001244192.2); c.3298_3299del, p.Leu1100fs (NM_001244193.2); c.3718_3719del, p.Leu1240fs (NM_001329944.2, NM_001329946.2, NM_001329947.2); c.3490_3491del, p.Leu1164fs (NM_014749.5); short protein forms L1164fs, L1293fs, L1100fs, L1225fs, L1155fs, L1196fs, L1240fs.
Identifiers: ClinVar variation 1938645 (VCV001938645.5), dbSNP rs774914799, ClinGen allele CA614733397.
Genomic context (GRCh38, chr14:58,488,809, plus strand): 5'-CAGGTTCTGATTCATCAACACTGGAGAGCACATTGAGTGTTACTGTCACTGAAACTGAAA[CTT>C]TAGATAAACCCATCTCTGAAGGAGAGATTTTATTTAGCTGTGGTCAAAAATTGGCCCCCA-3'